The following is an entry in ClinVar:

NM_198965.2(PTHLH):c.95G>A (p.Arg32His)

Gene: PTHLH (parathyroid hormone like hormone; minus strand). Cytogenetic location: 12p11.22.
Variant type: single nucleotide variant.
Coding change: c.95G>A on transcript NM_198965.2 (MANE Select); coding-DNA position 95, G replaced by A.
Protein change: p.Arg32His; replaces arginine 32 with histidine.
Molecular consequence: missense variant.
Genome position (GRCh38, 1-based): chr12:27,969,400, C>T on the plus strand (G>A on the coding strand, the complement: PTHLH is on the minus strand). VCF-style: chr12-27969400-C-T. GRCh37 (hg19) VCF-style: chr12-28122333-C-T.
Other names: c.95G>A, p.Arg32His (NM_002820.3, NM_198964.2, NM_198966.2); c.95G>A (NM_198965.1); short protein forms R32H.
Identifiers: ClinVar variation 1349236 (VCV001349236.7), dbSNP rs768349756, ClinGen allele CA6494965.

ClinVar aggregate classification (germline): Uncertain significance. Review status: criteria provided, multiple submitters, no conflicts (2 of 4 stars). 2 submissions from 2 submitters: Uncertain significance (2). Last evaluated 2025-07-02.

Conditions:
Inborn genetic diseases. Identifiers: MedGen C0950123, MeSH D030342.

Allele frequency attached by ClinVar (database versions not stated): gnomAD 0.00003; gnomAD exomes 0.00003; TOPMed 0.00003; ExAC 0.00004.
gnomAD v4.1: 44 of 1,578,736 alleles (0.0028%); highest among the groups gnomAD compares: Admixed American, 0.0071%; no homozygotes.

Submissions (2):

Labcorp Genetics (formerly Invitae), Labcorp
Classification: Uncertain significance. Last evaluated: 2025-07-02. Review status: criteria provided, single submitter. Criteria: Invitae Variant Classification Sherloc (09022015). Collection method: clinical testing. Allele origin: germline.
Comment: This sequence change replaces arginine, which is basic and polar, with histidine, which is basic and polar, at codon 32 of the PTHLH protein (p.Arg32His). The frequency data for this variant in the population databases is considered unreliable, as metrics indicate poor data quality at this position in the gnomAD database. This variant has not been reported in the literature in individuals affected with PTHLH-related conditions. ClinVar contains an entry for this variant (Variation ID: 1349236). An algorithm developed to predict the effect of missense changes on protein structure and function (PolyPhen-2) suggests that this variant is likely to be disruptive. In summary, the available evidence is currently insufficient to determine the role of this variant in disease. Therefore, it has been classified as a Variant of Uncertain Significance.

Ambry Genetics
Classification: Uncertain significance for Inborn genetic diseases. Last evaluated: 2024-12-20. Review status: criteria provided, single submitter. Criteria: Ambry Variant Classification Scheme 2023. Collection method: clinical testing. Allele origin: germline.